The following is an entry in ClinVar:

ClinVar aggregate classification (germline): Uncertain significance. Review status: criteria provided, multiple submitters, no conflicts (2 of 4 stars). 2 submissions from 2 submitters: Uncertain significance (2). Last evaluated 2025-12-30.

Conditions:
Cardiovascular phenotype. Identifiers: MedGen CN230736.
Noonan syndrome 9 (NS9). Identifiers: Orphanet 648, MedGen C4225282, MONDO:0014691, OMIM 616559.

Submissions (2):

Ambry Genetics
Classification: Uncertain significance for Cardiovascular phenotype. Last evaluated: 2025-12-30. Review status: criteria provided, single submitter. Criteria: Ambry Variant Classification Scheme 2023. Collection method: clinical testing. Allele origin: germline.
Comment: The p.E904G variant (also known as c.2711A>G), located in coding exon 17 of the SOS2 gene, results from an A to G substitution at nucleotide position 2711. The glutamic acid at codon 904 is replaced by glycine, an amino acid with similar properties. This amino acid position is conserved. In addition, this alteration is predicted to be tolerated by in silico analysis. Based on the available evidence, the clinical significance of this variant remains unclear.

Labcorp Genetics (formerly Invitae), Labcorp
Classification: Uncertain significance for Noonan syndrome 9. Last evaluated: 2025-09-12. Review status: criteria provided, single submitter. Criteria: Invitae Variant Classification Sherloc (09022015). Collection method: clinical testing. Allele origin: germline.
Comment: This sequence change replaces glutamic acid, which is acidic and polar, with glycine, which is neutral and non-polar, at codon 904 of the SOS2 protein (p.Glu904Gly). This variant is not present in population databases (gnomAD no frequency). This variant has not been reported in the literature in individuals affected with SOS2-related conditions. ClinVar contains an entry for this variant (Variation ID: 2719531). Invitae Evidence Modeling of protein sequence and biophysical properties (such as structural, functional, and spatial information, amino acid conservation, physicochemical variation, residue mobility, and thermodynamic stability) indicates that this missense variant is not expected to disrupt SOS2 protein function with a negative predictive value of 95%. In summary, the available evidence is currently insufficient to determine the role of this variant in disease. Therefore, it has been classified as a Variant of Uncertain Significance.

NM_006939.4(SOS2):c.2711A>G (p.Glu904Gly)

Gene: SOS2 (SOS Ras/Rho guanine nucleotide exchange factor 2; minus strand). Cytogenetic location: 14q21.3.
Variant type: single nucleotide variant.
Coding change: c.2711A>G on transcript NM_006939.4 (MANE Select); coding-DNA position 2711, A replaced by G.
Protein change: p.Glu904Gly; replaces glutamic acid 904 with glycine.
Molecular consequence: missense variant.
Genome position (GRCh38, 1-based): chr14:50,140,016, T>C on the plus strand (A>G on the coding strand, the complement: SOS2 is on the minus strand). VCF-style: chr14-50140016-T-C. GRCh37 (hg19) VCF-style: chr14-50606734-T-C.
Other names: c.2612A>G, p.Glu871Gly (NM_001411020.1); c.2711A>G (NM_006939.2); short protein forms E904G, E871G.
Identifiers: ClinVar variation 2719531 (VCV002719531.4), dbSNP rs2502886188, ClinGen allele CA389642766.